The following is an entry in ClinVar:

NM_000308.4(CTSA):c.1409T>C (p.Met470Thr)

Gene: CTSA (cathepsin A; plus strand). Cytogenetic location: 20q13.12.
Variant type: single nucleotide variant.
Coding change: c.1409T>C on transcript NM_000308.4 (MANE Select); coding-DNA position 1409, T replaced by C.
Protein change: p.Met470Thr; replaces methionine 470 with threonine.
Molecular consequence: missense variant. On other transcripts: non-coding transcript variant (1).
Genome position (GRCh38, 1-based): chr20:45,898,416, T>C. VCF-style: chr20-45898416-T-C. GRCh37 (hg19) VCF-style: chr20-44527055-T-C.
Other names: c.1409T>C, p.Met470Thr (NM_001127695.3); c.1358T>C, p.Met453Thr (NM_001167594.3); short protein forms M470T, M453T.
Identifiers: ClinVar variation 1022644 (VCV001022644.7), dbSNP rs771327084, ClinGen allele CA9883409.

ClinVar aggregate classification (germline): Uncertain significance (1 of 4 stars; one submission).

Conditions:
Combined deficiency of sialidase AND beta galactosidase (GSL). Also called: GOLDBERG SYNDROME; NEURAMINIDASE DEFICIENCY WITH BETA-GALACTOSIDASE DEFICIENCY; NEURAMINIDASE/BETA-GALACTOSIDASE EXPRESSION; PPCA DEFICIENCY; PROTECTIVE PROTEIN/CATHEPSIN A DEFICIENCY; Galactosialidosis. Identifiers: Orphanet 351, MedGen C0268233, MONDO:0009737, OMIM 256540.

Allele frequency attached by ClinVar (database versions not stated): TOPMed 0.00001; ExAC 0.00006; gnomAD 0.00007; gnomAD exomes 0.00007.

Submission:

Labcorp Genetics (formerly Invitae), Labcorp
Classification: Uncertain significance for Combined deficiency of sialidase AND beta galactosidase. Last evaluated: 2020-01-13. Review status: criteria provided, single submitter. Criteria: Invitae Variant Classification Sherloc (09022015). Collection method: clinical testing. Allele origin: germline.
Comment: Algorithms developed to predict the effect of missense changes on protein structure and function are either unavailable or do not agree on the potential impact of this missense change (SIFT: "Not Available"; PolyPhen-2: "Probably Damaging"; Align-GVGD: "Not Available"). This variant has not been reported in the literature in individuals with CTSA-related conditions. This variant is present in population databases (rs771327084, ExAC 0.02%). This sequence change replaces methionine with threonine at codon 488 of the CTSA protein (p.Met488Thr). The methionine residue is moderately conserved and there is a moderate physicochemical difference between methionine and threonine. In summary, the available evidence is currently insufficient to determine the role of this variant in disease. Therefore, it has been classified as a Variant of Uncertain Significance.